The following is an entry in ClinVar:

ClinVar aggregate classification (germline): Likely pathogenic. Review status: criteria provided, single submitter (1 of 4 stars). 2 submissions from 2 submitters: Likely pathogenic (1). 1 of the submissions does not count toward it. Last evaluated 2023-10-13.

Conditions:
Dilated cardiomyopathy 1II (CMD1II). Identifiers: Orphanet 154, MedGen C3554649, MONDO:0014073, OMIM 615184.
Cardiomyopathy, familial restrictive, 1. Identifiers: Orphanet 75249, MedGen C1861861, MONDO:0007270, OMIM 115210.

Submissions (2):

Labcorp Genetics (formerly Invitae), Labcorp
Classification: Likely pathogenic for Dilated cardiomyopathy 1II. Last evaluated: 2023-10-13. Review status: criteria provided, single submitter. Criteria: Invitae Variant Classification Sherloc (09022015). Collection method: clinical testing. Allele origin: germline.
Comment: This sequence change replaces aspartic acid, which is acidic and polar, with glycine, which is neutral and non-polar, at codon 109 of the CRYAB protein (p.Asp109Gly). This variant is not present in population databases (gnomAD no frequency). This missense change has been observed in individual(s) with autosomal dominant restrictive cardiomyopathy (PMID: 28493373). It has also been observed to segregate with disease in related individuals. ClinVar contains an entry for this variant (Variation ID: 265829). An algorithm developed to predict the effect of missense changes on protein structure and function (PolyPhen-2) suggests that this variant is likely to be disruptive. Experimental studies have shown that this missense change affects CRYAB function (PMID: 28493373). This variant disrupts the p.Asp109 amino acid residue in CRYAB. Other variant(s) that disrupt this residue have been determined to be pathogenic (PMID: 21920752, 23194663, 26627873). This suggests that this residue is clinically significant, and that variants that disrupt this residue are likely to be disease-causing. In summary, the currently available evidence indicates that the variant is pathogenic, but additional data are needed to prove that conclusively. Therefore, this variant has been classified as Likely Pathogenic.

Institut für Laboratoriums- und Transfusionsmedizin, Herz- und Diabeteszentrum Nordrhein-Westfalen
Classification: Pathogenic for Cardiomyopathy, familial restrictive, 1. Last evaluated: 2016-05-01. Review status: no assertion criteria provided. Collection method: clinical testing. Allele origin: germline. Affected: yes. Observed: 1 variant allele. Not counted in ClinVar's aggregate classification.

Literature cited by the submitters: PubMed 28493373 (cited by Labcorp Genetics (formerly Invitae), Labcorp); PubMed 21920752 (cited by Labcorp Genetics (formerly Invitae), Labcorp); PubMed 23194663 (cited by Labcorp Genetics (formerly Invitae), Labcorp); PubMed 26627873 (cited by Labcorp Genetics (formerly Invitae), Labcorp).

NM_001289808.2(CRYAB):c.326A>G (p.Asp109Gly)

Gene: CRYAB (crystallin alpha B; minus strand). Cytogenetic location: 11q23.1.
Variant type: single nucleotide variant.
Coding change: c.326A>G on transcript NM_001289808.2 (MANE Select); coding-DNA position 326, A replaced by G.
Protein change: p.Asp109Gly; replaces aspartic acid 109 with glycine.
Molecular consequence: missense variant.
Genome position (GRCh38, 1-based): chr11:111,908,966, T>C on the plus strand (A>G on the coding strand, the complement: CRYAB is on the minus strand). VCF-style: chr11-111908966-T-C. GRCh37 (hg19) VCF-style: chr11-111779690-T-C.
Other names: c.125A>G, p.Asp42Gly (NM_001330379.1, NM_001368246.1); c.326A>G, p.Asp109Gly (NM_001289807.1, NM_001368245.1, NM_001885.3); short protein forms D109G, D42G.
Identifiers: ClinVar variation 265829 (VCV000265829.13), dbSNP rs1114167341, ClinGen allele CA382596838.